The following is an entry in ClinVar:

NM_017636.4(TRPM4):c.493C>G (p.His165Asp)

Gene: TRPM4 (transient receptor potential cation channel subfamily M member 4; plus strand). Cytogenetic location: 19q13.33.
Variant type: single nucleotide variant.
Coding change: c.493C>G on transcript NM_017636.4 (MANE Select); coding-DNA position 493, C replaced by G.
Protein change: p.His165Asp; replaces histidine 165 with aspartic acid.
Molecular consequence: missense variant. On other transcripts: 5 prime UTR variant (2), intron variant (2).
Genome position (GRCh38, 1-based): chr19:49,168,304, C>G. VCF-style: chr19-49168304-C-G. GRCh37 (hg19) VCF-style: chr19-49671561-C-G.
Other names: c.493C>G, p.His165Asp (NM_001195227.2); c.-1061C>G (NM_001321282.2); c.-30C>G (NM_001321283.2); c.268-249C>G (NM_001321281.2); c.-237-249C>G (NM_001321285.2); short protein forms H165D.
Identifiers: ClinVar variation 3000970 (VCV003000970.3), dbSNP rs2514058627, ClinGen allele CA406791064.

ClinVar aggregate classification (germline): Uncertain significance (1 of 4 stars; one submission).

Conditions:
Progressive familial heart block type IB (PFHB1B). Identifiers: Orphanet 871, MedGen C1970298, MONDO:0011474, OMIM 604559.

Allele frequency attached by ClinVar (database versions not stated): gnomAD exomes below 0.00001.
gnomAD v4.1: 4 of 1,614,156 alleles (0.00025%); highest among the groups gnomAD compares: Non-Finnish European, 0.00034%; no homozygotes.

Submission:

Labcorp Genetics (formerly Invitae), Labcorp
Classification: Uncertain significance for Progressive familial heart block type IB. Last evaluated: 2023-06-16. Review status: criteria provided, single submitter. Criteria: Invitae Variant Classification Sherloc (09022015). Collection method: clinical testing. Allele origin: germline.
Comment: In summary, the available evidence is currently insufficient to determine the role of this variant in disease. Therefore, it has been classified as a Variant of Uncertain Significance. An algorithm developed to predict the effect of missense changes on protein structure and function (PolyPhen-2) suggests that this variant is likely to be disruptive. This variant has not been reported in the literature in individuals affected with TRPM4-related conditions. This variant is not present in population databases (gnomAD no frequency). This sequence change replaces histidine, which is basic and polar, with aspartic acid, which is acidic and polar, at codon 165 of the TRPM4 protein (p.His165Asp).